The following is an entry in ClinVar:

ClinVar aggregate classification (germline): Conflicting classifications of pathogenicity. Review status: criteria provided, conflicting classifications (1 of 4 stars). 3 submissions from 3 submitters: Likely pathogenic (1); Uncertain significance (1). 1 of the submissions does not count toward it. Last evaluated 2026-09-15.

Conditions:
Hearing loss, autosomal dominant 73. Also called: DEAFNESS, AUTOSOMAL DOMINANT 73. Identifiers: MedGen C4540024, MONDO:0033260, OMIM 617663.
Autosomal recessive nonsyndromic hearing loss 84A. Also called: DEAFNESS, AUTOSOMAL RECESSIVE 84A, WITH VESTIBULAR DYSFUNCTION; DEAFNESS, AUTOSOMAL RECESSIVE 84A. Identifiers: Orphanet 90636, MedGen C3150654, MONDO:0013249, OMIM 613391.

Allele frequency attached by ClinVar (database versions not stated): gnomAD exomes 0.00002 and 0.00020; gnomAD 0.00007 and 0.00008; TOPMed 0.00009.
gnomAD v4.1: 39 of 1,550,230 alleles (0.0025%); highest among the groups gnomAD compares: East Asian, 0.09%; no homozygotes.

Submissions (3):

GeneDx
Classification: Likely pathogenic. Last evaluated: 2026-09-15. Review status: criteria provided, single submitter. Criteria: GeneDx Variant Classification Process June 2021. Collection method: clinical testing. Allele origin: germline.
Comment: In silico analysis supports a deleterious effect on splicing; Non-canonical splice site variant demonstrated to result in loss of function (PMID: 34956325); This variant is associated with the following publications: (PMID: 34416374, 35899188, 31581539, 41069440, 34956325)

Juno Genomics, Hangzhou Juno Genomics, Inc
Classification: Uncertain significance for Hearing loss, autosomal dominant 73; Autosomal recessive nonsyndromic hearing loss 84A. Review status: criteria provided, single submitter. Criteria: ACMG Guidelines, 2015. Collection method: clinical testing. Allele origin: germline.
Comment: Multiple lines of computational evidence support a deleterious effect on the gene or gene product.;For recessive disorders, detected in trans with a pathogenic variant.

WangQJ Lab, Chinese People's Liberation Army General Hospital
Classification: Uncertain significance for Autosomal recessive nonsyndromic hearing loss 84A. Last evaluated: 2021-07-01. Review status: no assertion criteria provided. Collection method: clinical testing. Allele origin: maternal. Affected: yes. Not counted in ClinVar's aggregate classification.

NM_001145026.2(PTPRQ):c.6603-3T>G

Gene: PTPRQ (protein tyrosine phosphatase receptor type Q; plus strand). Cytogenetic location: 12q21.31.
Variant type: single nucleotide variant.
Coding change: c.6603-3T>G on transcript NM_001145026.2 (MANE Select); 3 bases into the intron before coding-DNA position 6603, T replaced by G.
Molecular consequence: intron variant.
Genome position (GRCh38, 1-based): chr12:80,673,166, T>G. VCF-style: chr12-80673166-T-G. GRCh37 (hg19) VCF-style: chr12-81066945-T-G.
Identifiers: ClinVar variation 1185134 (VCV001185134.5), dbSNP rs1195593420, ClinGen allele CA606305143.